The following is an entry in ClinVar:

ClinVar aggregate classification (germline): Uncertain significance (1 of 4 stars; one submission).

Conditions:
Polyglandular autoimmune syndrome, type 1 (APS1). Also called: PGA I; Autoimmune polyendocrinopathy syndrome , type I, with or without reversible metaphyseal dysplasia; Whitaker syndrome; Autoimmune polyendocrine syndrome type 1; AUTOIMMUNE POLYENDOCRINE SYNDROME, TYPE I, WITH OR WITHOUT REVERSIBLE METAPHYSEAL DYSPLASIA; APS I. Identifiers: Orphanet 3453, MedGen C0085859, MONDO:0009411, OMIM 240300.

Submission:

Labcorp Genetics (formerly Invitae), Labcorp
Classification: Uncertain significance for Polyglandular autoimmune syndrome, type 1. Last evaluated: 2025-04-03. Review status: criteria provided, single submitter. Criteria: Invitae Variant Classification Sherloc (09022015). Collection method: clinical testing. Allele origin: germline.
Comment: This sequence change replaces leucine, which is neutral and non-polar, with arginine, which is basic and polar, at codon 470 of the AIRE protein (p.Leu470Arg). This variant is present in population databases (no rsID available, gnomAD 0.01%). This variant has not been reported in the literature in individuals affected with AIRE-related conditions. Invitae Evidence Modeling of protein sequence and biophysical properties (such as structural, functional, and spatial information, amino acid conservation, physicochemical variation, residue mobility, and thermodynamic stability) indicates that this missense variant is expected to disrupt AIRE protein function with a positive predictive value of 95%. In summary, the available evidence is currently insufficient to determine the role of this variant in disease. Therefore, it has been classified as a Variant of Uncertain Significance.

NM_000383.4(AIRE):c.1409T>G (p.Leu470Arg)

Gene: AIRE (autoimmune regulator; plus strand). Cytogenetic location: 21q22.3.
Variant type: single nucleotide variant.
Coding change: c.1409T>G on transcript NM_000383.4 (MANE Select); coding-DNA position 1409, T replaced by G.
Protein change: p.Leu470Arg; replaces leucine 470 with arginine.
Molecular consequence: missense variant.
Genome position (GRCh38, 1-based): chr21:44,294,409, T>G. VCF-style: chr21-44294409-T-G. GRCh37 (hg19) VCF-style: chr21-45714292-T-G.
Other names: short protein forms L470R.
Identifiers: ClinVar variation 4752478 (VCV004752478.1).